The following is an entry in ClinVar:

NM_004614.5(TK2):c.254A>C (p.Lys85Thr)

Gene: TK2 (thymidine kinase 2; minus strand). Cytogenetic location: 16q21.
Variant type: single nucleotide variant.
Coding change: c.254A>C on transcript NM_004614.5 (MANE Select); coding-DNA position 254, A replaced by C.
Protein change: p.Lys85Thr; replaces lysine 85 with threonine.
Molecular consequence: missense variant. On other transcripts: 5 prime UTR variant (1), non-coding transcript variant (1), intron variant (1).
Genome position (GRCh38, 1-based): chr16:66,536,995, T>G on the plus strand (A>C on the coding strand, the complement: TK2 is on the minus strand). VCF-style: chr16-66536995-T-G. GRCh37 (hg19) VCF-style: chr16-66570898-T-G.
Other names: c.161A>C, p.Lys54Thr (NM_001172643.1, NM_001271935.1); c.179A>C, p.Lys60Thr (NM_001172644.2); c.107A>C, p.Lys36Thr (NM_001271934.2); c.-38A>C (NM_001272050.2); c.231+4884A>C (NM_001172645.2); short protein forms K36T, K60T, K85T, K54T.
Identifiers: ClinVar variation 2006550 (VCV002006550.4), dbSNP rs2507165726, ClinGen allele CA396191673.

ClinVar aggregate classification (germline): Uncertain significance (1 of 4 stars; one submission).

Allele frequency attached by ClinVar (database versions not stated): gnomAD exomes below 0.00001.
gnomAD v4.1: 2 of 1,614,006 alleles (0.00012%); highest among the groups gnomAD compares: South Asian, 0.0011%; no homozygotes.

Submission:

Labcorp Genetics (formerly Invitae), Labcorp
Classification: Uncertain significance. Last evaluated: 2022-06-14. Review status: criteria provided, single submitter. Criteria: Invitae Variant Classification Sherloc (09022015). Collection method: clinical testing. Allele origin: germline.
Comment: This variant has not been reported in the literature in individuals affected with TK2-related conditions. In summary, the available evidence is currently insufficient to determine the role of this variant in disease. Therefore, it has been classified as a Variant of Uncertain Significance. Algorithms developed to predict the effect of missense changes on protein structure and function are either unavailable or do not agree on the potential impact of this missense change (SIFT: "Deleterious"; PolyPhen-2: "Possibly Damaging"; Align-GVGD: "Class C0"). This variant is not present in population databases (gnomAD no frequency). This sequence change replaces lysine, which is basic and polar, with threonine, which is neutral and polar, at codon 85 of the TK2 protein (p.Lys85Thr).